The following is an entry in ClinVar:

NM_001312673.2(PCYT1A):c.1018G>A (p.Gly340Ser)

Gene: PCYT1A (phosphate cytidylyltransferase 1A, choline; minus strand). Cytogenetic location: 3q29.
Variant type: single nucleotide variant.
Coding change: c.1018G>A on transcript NM_001312673.2 (MANE Select); coding-DNA position 1018, G replaced by A.
Protein change: p.Gly340Ser; replaces glycine 340 with serine.
Molecular consequence: missense variant.
Genome position (GRCh38, 1-based): chr3:196,238,774, C>T on the plus strand (G>A on the coding strand, the complement: PCYT1A is on the minus strand). VCF-style: chr3-196238774-C-T. GRCh37 (hg19) VCF-style: chr3-195965645-C-T.
Other names: c.1018G>A, p.Gly340Ser (NM_005017.4); c.1018G>A (NM_005017.2); short protein forms G340S.
Identifiers: ClinVar variation 1352098 (VCV001352098.6), dbSNP rs146337013, ClinGen allele CA2779344.

ClinVar aggregate classification (germline): Uncertain significance. Review status: criteria provided, multiple submitters, no conflicts (2 of 4 stars). 3 submissions from 3 submitters: Uncertain significance (3). Last evaluated 2024-11-05.

Allele frequency attached by ClinVar (database versions not stated): ExAC 0.00005; TOPMed 0.00009; gnomAD 0.00011 and 0.00013; ESP Exome Variant Server 0.00015.
gnomAD v4.1: 67 of 1,588,270 alleles (0.0042%); highest among the groups gnomAD compares: African/African-American, 0.041%; no homozygotes.

Submissions (3):

Labcorp Genetics (formerly Invitae), Labcorp
Classification: Uncertain significance. Last evaluated: 2024-11-05. Review status: criteria provided, single submitter. Criteria: Invitae Variant Classification Sherloc (09022015). Collection method: clinical testing. Allele origin: germline.
Comment: This sequence change replaces glycine, which is neutral and non-polar, with serine, which is neutral and polar, at codon 340 of the PCYT1A protein (p.Gly340Ser). This variant is present in population databases (rs146337013, gnomAD 0.01%). This variant has not been reported in the literature in individuals affected with PCYT1A-related conditions. ClinVar contains an entry for this variant (Variation ID: 1352098). Invitae Evidence Modeling of protein sequence and biophysical properties (such as structural, functional, and spatial information, amino acid conservation, physicochemical variation, residue mobility, and thermodynamic stability) indicates that this missense variant is not expected to disrupt PCYT1A protein function with a negative predictive value of 95%. In summary, the available evidence is currently insufficient to determine the role of this variant in disease. Therefore, it has been classified as a Variant of Uncertain Significance.

GeneDx
Classification: Uncertain significance. Last evaluated: 2024-05-28. Review status: criteria provided, single submitter. Criteria: GeneDx Variant Classification Process June 2021. Collection method: clinical testing. Allele origin: germline. Affected: yes.
Comment: In silico analysis indicates that this missense variant does not alter protein structure/function; Has not been previously published as pathogenic or benign to our knowledge

Blueprint Genetics
Classification: Uncertain significance. Last evaluated: 2023-11-30. Review status: criteria provided, single submitter. Criteria: ACMG Guidelines, 2015. Collection method: clinical testing. Allele origin: germline.